The following is an entry in ClinVar:

ClinVar aggregate classification (germline): Benign. Review status: criteria provided, single submitter (1 of 4 stars). 2 submissions from 2 submitters: Benign (1). 1 of the submissions does not count toward it. Last evaluated 2022-09-01.

Conditions:
CELSR1-related disorder. Also called: CELSR1-related condition.

Allele frequency attached by ClinVar (database versions not stated): ExAC 0.00043; 1000 Genomes Project 0.00100; 1000 Genomes Project 30x 0.00109; gnomAD 0.00123; ESP Exome Variant Server 0.00138; TOPMed 0.00145.
gnomAD v4.1: 378 of 1,610,668 alleles (0.023%); highest among the groups gnomAD compares: African/African-American, 0.46%; 2 homozygotes.

Submissions (2):

CeGaT Center for Human Genetics Tuebingen
Classification: Benign. Last evaluated: 2022-09-01. Review status: criteria provided, single submitter. Criteria: CeGaT Center For Human Genetics Tuebingen Variant Classification Criteria Version 2. Collection method: clinical testing. Allele origin: germline. Affected: yes. Observed: 1 variant allele.
Comment: CELSR1: BS1, BS2

PreventionGenetics, part of Exact Sciences
Classification: Likely benign for CELSR1-related condition. Last evaluated: 2019-10-28. Review status: no assertion criteria provided. Collection method: clinical testing. Allele origin: germline. Not counted in ClinVar's aggregate classification.
Comment: This variant is classified as likely benign based on ACMG/AMP sequence variant interpretation guidelines (Richards et al. 2015 PMID: 25741868, with internal and published modifications).

NM_001378328.1(CELSR1):c.5702-8C>T

Gene: CELSR1 (cadherin EGF LAG seven-pass G-type receptor 1; minus strand). Cytogenetic location: 22q13.31.
Variant type: single nucleotide variant.
Coding change: c.5702-8C>T on transcript NM_001378328.1 (MANE Select); 8 bases into the intron before coding-DNA position 5702, C replaced by T.
Molecular consequence: intron variant.
Genome position (GRCh38, 1-based): chr22:46,396,754, G>A on the plus strand (C>T on the coding strand, the complement: CELSR1 is on the minus strand). VCF-style: chr22-46396754-G-A. GRCh37 (hg19) VCF-style: chr22-46792651-G-A.
Other names: c.5702-8C>T (NM_014246.4, NM_014246.1).
Identifiers: ClinVar variation 2653328 (VCV002653328.25), dbSNP rs147959364, ClinGen allele CA10294112.